The following is an entry in ClinVar:

ClinVar aggregate classification (germline): Uncertain significance (1 of 4 stars; one submission).

Conditions:
Malignant hyperthermia, susceptibility to, 5 (MHS5). Also called: CACNA1S-Related Malignant Hyperthermia Susceptibility. Identifiers: Orphanet 423, MedGen C1866077, MONDO:0011163, OMIM 601887.

Submission:

All of Us Research Program, National Institutes of Health
Classification: Uncertain significance for Malignant hyperthermia, susceptibility to, 5. Last evaluated: 2023-03-28. Review status: criteria provided, single submitter. Criteria: ACMG Guidelines, 2015. Collection method: clinical testing. Allele origin: germline. Inheritance: Autosomal dominant inheritance. Observed: 1 variant allele, 1 heterozygote.
Comment: This study involves interpretation of variants in research participants for the purpose of population health screening. Participant phenotype was not available at the time of variant classification. Additional details can be found in publication PMID: 35346344, PMCID: PMC8962531

NM_000069.3(CACNA1S):c.2693T>A (p.Val898Glu)

Gene: CACNA1S (calcium voltage-gated channel subunit alpha1 S; minus strand). Cytogenetic location: 1q32.1.
Variant type: single nucleotide variant.
Coding change: c.2693T>A on transcript NM_000069.3 (MANE Select); coding-DNA position 2693, T replaced by A.
Protein change: p.Val898Glu; replaces valine 898 with glutamic acid.
Molecular consequence: missense variant.
Genome position (GRCh38, 1-based): chr1:201,066,281, A>T on the plus strand (T>A on the coding strand, the complement: CACNA1S is on the minus strand). VCF-style: chr1-201066281-A-T. GRCh37 (hg19) VCF-style: chr1-201035409-A-T.
Other names: short protein forms V898E.
Identifiers: ClinVar variation 3069943 (VCV003069943.1), dbSNP rs2464520941, ClinGen allele CA344102519.